The following is an entry in ClinVar:

ClinVar aggregate classification (germline): Uncertain significance. Review status: criteria provided, multiple submitters, no conflicts (2 of 4 stars). 3 submissions from 3 submitters: Uncertain significance (3). Last evaluated 2025-11-05.

Conditions:
DICER1-related tumor predisposition. Also called: DICER1-related pleuropulmonary blastoma cancer predisposition syndrome; DICER1 syndrome. Identifiers: Orphanet 284343, MedGen C3839822, MONDO:0100216.
Hereditary cancer-predisposing syndrome. Also called: Hereditary neoplastic syndrome; Hereditary Cancer Syndrome; Neoplastic Syndromes, Hereditary; Tumor predisposition. Identifiers: Orphanet 140162, MedGen C0027672, MeSH D009386, MONDO:0015356.

Allele frequency attached by ClinVar (database versions not stated): gnomAD exomes below 0.00001; ExAC 0.00001.
gnomAD v4.1: 1 of 1,613,668 alleles (0.000062%); highest among the groups gnomAD compares: East Asian, 0.0022%; no homozygotes.

Submissions (3):

Labcorp Genetics (formerly Invitae), Labcorp
Classification: Uncertain significance for DICER1-related tumor predisposition. Last evaluated: 2025-11-05. Review status: criteria provided, single submitter. Criteria: Invitae Variant Classification Sherloc (09022015). Collection method: clinical testing. Allele origin: germline.
Comment: This sequence change replaces isoleucine, which is neutral and non-polar, with valine, which is neutral and non-polar, at codon 705 of the DICER1 protein (p.Ile705Val). This variant is present in population databases (rs752868874, gnomAD 0.004%). This variant has not been reported in the literature in individuals affected with DICER1-related conditions. ClinVar contains an entry for this variant (Variation ID: 1370679). Invitae Evidence Modeling of protein sequence and biophysical properties (such as structural, functional, and spatial information, amino acid conservation, physicochemical variation, residue mobility, and thermodynamic stability) indicates that this missense variant is not expected to disrupt DICER1 protein function with a negative predictive value of 95%. RNA analysis performed to evaluate the impact of this missense change on mRNA splicing indicates it does not significantly alter splicing (internal data). In summary, the available evidence is currently insufficient to determine the role of this variant in disease. Therefore, it has been classified as a Variant of Uncertain Significance.

Center for Genomic Medicine, Rigshospitalet, Copenhagen University Hospital
Classification: Uncertain significance. Last evaluated: 2025-03-04. Review status: criteria provided, single submitter. Criteria: ACMG Guidelines, 2015. Collection method: clinical testing. Allele origin: germline.

Ambry Genetics
Classification: Uncertain significance for Hereditary cancer-predisposing syndrome. Last evaluated: 2023-04-26. Review status: criteria provided, single submitter. Criteria: Ambry Variant Classification Scheme 2023. Collection method: clinical testing. Allele origin: germline.
Comment: The p.I705V variant (also known as c.2113A>G), located in coding exon 12 of the DICER1 gene, results from an A to G substitution at nucleotide position 2113. The isoleucine at codon 705 is replaced by valine, an amino acid with highly similar properties. This amino acid position is well conserved in available vertebrate species. In addition, this alteration is predicted to be tolerated by in silico analysis. Since supporting evidence is limited at this time, the clinical significance of this alteration remains unclear.

NM_177438.3(DICER1):c.2113A>G (p.Ile705Val)

Gene: DICER1 (dicer 1, ribonuclease III; minus strand). Cytogenetic location: 14q32.13.
Variant type: single nucleotide variant.
Coding change: c.2113A>G on transcript NM_177438.3 (MANE Select); coding-DNA position 2113, A replaced by G.
Protein change: p.Ile705Val; replaces isoleucine 705 with valine.
Molecular consequence: missense variant.
Genome position (GRCh38, 1-based): chr14:95,112,175, T>C on the plus strand (A>G on the coding strand, the complement: DICER1 is on the minus strand). VCF-style: chr14-95112175-T-C. GRCh37 (hg19) VCF-style: chr14-95578512-T-C.
Other names: c.2113A>G (NM_177438.2); c.2113A>G, p.Ile705Val (NM_001195573.1, NM_001271282.3, NM_001291628.2 and 1 more transcripts); short protein forms I705V.
Identifiers: ClinVar variation 1370679 (VCV001370679.17), dbSNP rs752868874, ClinGen allele CA7331317.